The following is an entry in ClinVar:

NM_032578.4(MYPN):c.2384C>G (p.Pro795Arg)

Gene: MYPN (myopalladin; plus strand). Cytogenetic location: 10q21.3.
Variant type: single nucleotide variant.
Coding change: c.2384C>G on transcript NM_032578.4 (MANE Select); coding-DNA position 2384, C replaced by G.
Protein change: p.Pro795Arg; replaces proline 795 with arginine.
Molecular consequence: missense variant. On other transcripts: non-coding transcript variant (2).
Genome position (GRCh38, 1-based): chr10:68,174,476, C>G. VCF-style: chr10-68174476-C-G. GRCh37 (hg19) VCF-style: chr10-69934233-C-G.
Other names: c.2384C>G, p.Pro795Arg (NM_001256267.2); c.1502C>G, p.Pro501Arg (NM_001256268.2); c.2384C>G (NM_032578.2); short protein forms P501R, P795R.
Identifiers: ClinVar variation 1026611 (VCV001026611.9), dbSNP rs747076390, ClinGen allele CA376846982.

ClinVar aggregate classification (germline): Conflicting classifications of pathogenicity. Review status: criteria provided, conflicting classifications (1 of 4 stars). 2 submissions from 2 submitters: Uncertain significance (1); Likely benign (1). Last evaluated 2025-09-02.

Conditions:
Cardiovascular phenotype. Identifiers: MedGen CN230736.
Dilated cardiomyopathy 1KK (CMD1KK). Identifiers: Orphanet 154, Orphanet 75249, MedGen C3714995, MONDO:0014100, OMIM 615248.

Submissions (2):

Ambry Genetics
Classification: Likely benign for Cardiovascular phenotype. Last evaluated: 2025-09-02. Review status: criteria provided, single submitter. Criteria: Ambry Variant Classification Scheme 2023. Collection method: clinical testing. Allele origin: germline.

Labcorp Genetics (formerly Invitae), Labcorp
Classification: Uncertain significance for Dilated cardiomyopathy 1KK. Last evaluated: 2020-09-25. Review status: criteria provided, single submitter. Criteria: Invitae Variant Classification Sherloc (09022015). Collection method: clinical testing. Allele origin: germline.
Comment: This sequence change replaces proline with arginine at codon 795 of the MYPN protein (p.Pro795Arg). The proline residue is highly conserved and there is a moderate physicochemical difference between proline and arginine. This variant is not present in population databases (ExAC no frequency). This variant has not been reported in the literature in individuals with MYPN-related conditions. Algorithms developed to predict the effect of missense changes on protein structure and function are either unavailable or do not agree on the potential impact of this missense change (SIFT: "Deleterious"; PolyPhen-2: "Benign"; Align-GVGD: "Class C0"). In summary, the available evidence is currently insufficient to determine the role of this variant in disease. Therefore, it has been classified as a Variant of Uncertain Significance.